The following is an entry in ClinVar:

NM_170606.3(KMT2C):c.9472C>G (p.Gln3158Glu)

Gene: KMT2C (lysine methyltransferase 2C; minus strand). Cytogenetic location: 7q36.1.
Variant type: single nucleotide variant.
Coding change: c.9472C>G on transcript NM_170606.3 (MANE Select); coding-DNA position 9472, C replaced by G.
Protein change: p.Gln3158Glu; replaces glutamine 3158 with glutamic acid.
Molecular consequence: missense variant.
Genome position (GRCh38, 1-based): chr7:152,169,231, G>C on the plus strand (C>G on the coding strand, the complement: KMT2C is on the minus strand). VCF-style: chr7-152169231-G-C. GRCh37 (hg19) VCF-style: chr7-151866316-G-C.
Other names: short protein forms Q3158E.
Identifiers: ClinVar variation 1510017 (VCV001510017.6), dbSNP rs2129107224, ClinGen allele CA370107535.
Genomic context (GRCh38, chr7:152,169,231, plus strand): 5'-TAGATTTATACTTACTGACAAAGCCTGGACCAAAATTTGGAGGATTAGGCCTAGAAATCT[G>C]ATGTGTTATACTGCCATCCTAAAATAAGTAAAATTTACAAATATGTTTATTCCACATTTC-3'
Protein context (NP_733751.2, residues 3148-3168): AIPQDGSITH[Gln3158Glu]ISRPNPPNFG

ClinVar aggregate classification (germline): Uncertain significance (1 of 4 stars; one submission).

Submission:

Labcorp Genetics (formerly Invitae), Labcorp
Classification: Uncertain significance. Last evaluated: 2021-11-12. Review status: criteria provided, single submitter. Criteria: Invitae Variant Classification Sherloc (09022015). Collection method: clinical testing. Allele origin: germline.
Comment: In summary, the available evidence is currently insufficient to determine the role of this variant in disease. Therefore, it has been classified as a Variant of Uncertain Significance. This sequence change replaces glutamine, which is neutral and polar, with glutamic acid, which is acidic and polar, at codon 3158 of the KMT2C protein (p.Gln3158Glu). This variant is not present in population databases (gnomAD no frequency). This variant has not been reported in the literature in individuals affected with KMT2C-related conditions. Algorithms developed to predict the effect of missense changes on protein structure and function are either unavailable or do not agree on the potential impact of this missense change (SIFT: "Tolerated"; PolyPhen-2: "Possibly Damaging"; Align-GVGD: "Class C0").